The following is an entry in ClinVar:

NM_005932.4(MIPEP):c.1318C>T (p.Arg440Ter)

Gene: MIPEP (mitochondrial intermediate peptidase; minus strand). Cytogenetic location: 13q12.12.
Variant type: single nucleotide variant.
Coding change: c.1318C>T on transcript NM_005932.4 (MANE Select); coding-DNA position 1318, C replaced by T.
Protein change: p.Arg440Ter; replaces arginine 440 with a stop codon.
Molecular consequence: nonsense.
Genome position (GRCh38, 1-based): chr13:23,839,669, G>A on the plus strand (C>T on the coding strand, the complement: MIPEP is on the minus strand). VCF-style: chr13-23839669-G-A. GRCh37 (hg19) VCF-style: chr13-24413808-G-A.
Other names: short protein forms R440*.
Identifiers: ClinVar variation 3351825 (VCV003351825.2).

ClinVar aggregate classification (germline): Likely pathogenic. Review status: criteria provided, single submitter (1 of 4 stars). 2 submissions from 2 submitters: Likely pathogenic (1). 1 of the submissions does not count toward it. Last evaluated 2025-06-02.

Conditions:
MIPEP-related disorder. Also called: MIPEP-related condition.
Lethal left ventricular non-compaction-seizures-hypotonia-cataract-developmental delay syndrome. Also called: Combined oxidative phosphorylation deficiency 31. Identifiers: Orphanet 478049, MedGen C4310661, MONDO:0014976, OMIM 617228.

gnomAD v4.1: 25 of 1,612,122 alleles (0.0016%); highest among the groups gnomAD compares: South Asian, 0.0055%; no homozygotes.

Submissions (2):

First Genomix Gene Laboratory, Genetic Diagnostics Department
Classification: Likely pathogenic for Lethal left ventricular non-compaction-seizures-hypotonia-cataract-developmental delay syndrome. Last evaluated: 2025-06-02. Review status: criteria provided, single submitter. Criteria: ACMG Guidelines, 2015. Collection method: clinical testing. Allele origin: germline. Inheritance: Autosomal recessive inheritance. Affected: no. Observed: 1 variant allele.

PreventionGenetics, part of Exact Sciences
Classification: Likely pathogenic for MIPEP-related condition. Last evaluated: 2024-09-05. Review status: no assertion criteria provided. Collection method: clinical testing. Allele origin: germline. Not counted in ClinVar's aggregate classification.
Comment: The MIPEP c.1318C>T variant is predicted to result in premature protein termination (p.Arg440*). To our knowledge, this variant has not been reported in the literature. A different nonsense variant in MIPEP, as well as gross gene deletions of MIPEP, have been reported in the compound heterozygous state in individuals with a syndrome of left ventricular non compaction, hypotonia, and infantile death (Eldomery et al. 2016. PubMed ID: 27799064). At least three other loss of function variants have been reported as pathogenic or likely pathogenic in ClinVar. This variant is reported in 0.013% of alleles in individuals of South Asian descent in gnomAD. This variant is interpreted as likely pathogenic.